The following is an entry in ClinVar:

NM_032620.4(GTPBP3):c.716A>C (p.Asp239Ala)

Gene: GTPBP3 (GTP binding protein 3, mitochondrial; plus strand). Cytogenetic location: 19p13.11.
Variant type: single nucleotide variant.
Coding change: c.716A>C on transcript NM_032620.4 (MANE Select); coding-DNA position 716, A replaced by C.
Protein change: p.Asp239Ala; replaces aspartic acid 239 with alanine.
Molecular consequence: missense variant.
Genome position (GRCh38, 1-based): chr19:17,339,174, A>C. VCF-style: chr19-17339174-A-C. GRCh37 (hg19) VCF-style: chr19-17449983-A-C.
Other names: c.716A>C, p.Asp239Ala (NM_001128855.3); c.782A>C, p.Asp261Ala (NM_001195422.1); c.812A>C, p.Asp271Ala (NM_133644.4); short protein forms D239A, D261A, D271A.
Identifiers: ClinVar variation 1334342 (VCV001334342.2), dbSNP rs766796409, ClinGen allele CA9293473.
Genomic context (GRCh38, chr19:17,339,174, plus strand): 5'-CACCCACAGCCGACATCGAAGTACGGGCACTGCAGGTGGCCCTGGGTGCACATCTACGAG[A>C]TGCCAGGCGCGGGCAGAGGCTCCGCTCAGGGGTGCACGTAGTGGTCACTGGACCCCCCAA-3'
Protein context (NP_116009.2, residues 229-249): LQVALGAHLR[Asp239Ala]ARRGQRLRSG

ClinVar aggregate classification (germline): Uncertain significance (1 of 4 stars; one submission).

Allele frequency attached by ClinVar (database versions not stated): gnomAD exomes below 0.00001; ExAC 0.00001.
gnomAD v4.1: 2 of 1,613,838 alleles (0.00012%); highest among the groups gnomAD compares: Admixed American, 0.0033%; no homozygotes.

Submission:

GeneDx
Classification: Uncertain significance. Last evaluated: 2022-01-05. Review status: criteria provided, single submitter. Criteria: GeneDx Variant Classification Process June 2021. Collection method: clinical testing. Allele origin: germline. Affected: yes.
Comment: Not observed at significant frequency in large population cohorts (gnomAD); In silico analysis supports that this missense variant has a deleterious effect on protein structure/function; Has not been previously published as pathogenic or benign to our knowledge